The following is an entry in ClinVar:

NM_000112.4(SLC26A2):c.1428T>G (p.Tyr476Ter)

Gene: SLC26A2 (solute carrier family 26 member 2; plus strand). Cytogenetic location: 5q32.
Variant type: single nucleotide variant.
Coding change: c.1428T>G on transcript NM_000112.4 (MANE Select); coding-DNA position 1428, T replaced by G.
Protein change: p.Tyr476Ter; replaces tyrosine 476 with a stop codon.
Molecular consequence: nonsense.
Genome position (GRCh38, 1-based): chr5:149,981,021, T>G. VCF-style: chr5-149981021-T-G. GRCh37 (hg19) VCF-style: chr5-149360584-T-G.
Other names: short protein forms Y476*.
Identifiers: ClinVar variation 2002215 (VCV002002215.5), dbSNP rs1272709022, ClinGen allele CA361707847.
Genomic context (GRCh38, chr5:149,981,021, plus strand): 5'-TGGTGTGGTAACAGCCCTGGTTCTTTTGTTGGTCCTCCTAGTAATAGCTCCTTTGTTCTA[T>G]TCCCTTCAAAAAAGTGTCCTTGGTGTGATCACAATTGTAAATCTACGGGGAGCCCTTCGT-3'

ClinVar aggregate classification (germline): Pathogenic/Likely pathogenic. Review status: criteria provided, multiple submitters, no conflicts (2 of 4 stars). 2 submissions from 2 submitters: Pathogenic (1); Likely pathogenic (1). Last evaluated 2023-02-08.

Conditions:
Achondrogenesis, type IB (ACG1B). Also called: Achondrogenesis Type 1B. Identifiers: Orphanet 932, Orphanet 93298, MedGen C0265274, MONDO:0010966, OMIM 600972.
Atelosteogenesis type II (AO2). Also called: NEONATAL OSSEOUS DYSPLASIA I; SLC26A2-Related Atelosteogenesis; Neonatal osseous dysplasia 1. Identifiers: Orphanet 56304, MedGen C1850554, MONDO:0009727, OMIM 256050.
Diastrophic dysplasia (DTD). Also called: Diastrophic dwarfism. Identifiers: Orphanet 628, MedGen C0220726, MONDO:0009107, OMIM 222600.
Multiple epiphyseal dysplasia type 4 (EDM4). Also called: Multiple Epiphyseal Dysplasia, Recessive; MULTIPLE EPIPHYSEAL DYSPLASIA WITH BILAYERED PATELLAE; MULTIPLE EPIPHYSEAL DYSPLASIA WITH CLUBFOOT; MULTIPLE EPIPHYSEAL DYSPLASIA, AUTOSOMAL RECESSIVE; SLC26A2-Related Multiple Epiphyseal Dysplasia. Identifiers: Orphanet 93307, MedGen C1847593, MONDO:0009189, OMIM 226900.

Submissions (2):

Baylor Genetics
Classification: Likely pathogenic for Achondrogenesis, type IB. Last evaluated: 2023-02-08. Review status: criteria provided, single submitter. Criteria: ACMG Guidelines, 2015. Collection method: clinical testing. Allele origin: unknown.

Labcorp Genetics (formerly Invitae), Labcorp
Classification: Pathogenic for Atelosteogenesis type II; Multiple epiphyseal dysplasia type 4; Achondrogenesis, type IB; Diastrophic dysplasia. Last evaluated: 2022-06-03. Review status: criteria provided, single submitter. Criteria: Invitae Variant Classification Sherloc (09022015). Collection method: clinical testing. Allele origin: germline.
Comment: This variant disrupts a region of the SLC26A2 protein in which other variant(s) (p.Ala715Val) have been determined to be pathogenic (PMID: 11448940, 15294877, 21077204). This suggests that this is a clinically significant region of the protein, and that variants that disrupt it are likely to be disease-causing. For these reasons, this variant has been classified as Pathogenic. This variant has not been reported in the literature in individuals affected with SLC26A2-related conditions. This sequence change creates a premature translational stop signal (p.Tyr476*) in the SLC26A2 gene. While this is not anticipated to result in nonsense mediated decay, it is expected to disrupt the last 264 amino acid(s) of the SLC26A2 protein. This variant is not present in population databases (gnomAD no frequency).

Literature cited by the submitters: PubMed 11448940 (cited by Labcorp Genetics (formerly Invitae), Labcorp); PubMed 15294877 (cited by Labcorp Genetics (formerly Invitae), Labcorp); PubMed 21077204 (cited by Labcorp Genetics (formerly Invitae), Labcorp).